The following is an entry in ClinVar:

NM_001034116.2(EIF2B4):c.31+1G>A

Gene: EIF2B4 (eukaryotic translation initiation factor 2B subunit delta; minus strand). Cytogenetic location: 2p23.3.
Variant type: single nucleotide variant.
Coding change: c.31+1G>A on transcript NM_001034116.2 (MANE Select); the canonical splice donor site of the intron after coding-DNA position 31, G replaced by A.
Molecular consequence: splice donor variant. On other transcripts: 5 prime UTR variant (1).
Genome position (GRCh38, 1-based): chr2:27,370,283, C>T on the plus strand (G>A on the coding strand, the complement: EIF2B4 is on the minus strand). VCF-style: chr2-27370283-C-T. GRCh37 (hg19) VCF-style: chr2-27593150-C-T.
Other names: c.-192G>A (NM_001318966.2); c.-56+1G>A (NM_001318967.2); c.31+1G>A (NM_015636.4); c.-562+1G>A (NM_001318969.2).
Identifiers: ClinVar variation 2751898 (VCV002751898.3), dbSNP rs774674616, ClinGen allele CA1577070.
Genomic context (GRCh38, chr2:27,370,283, plus strand): 5'-ACTAGCTGTCCGGAGCTCGTCGGCTCCGCGTACCAGTAGGCAGGCCCGGCTCTTCACTCA[C>T]CCTCGCGAACAGCCACGGCCACAGCAGCCATCGCCCTCAGTCCTAGGCTCCGCCCGCCGT-3'

ClinVar aggregate classification (germline): Likely pathogenic (1 of 4 stars; one submission).

Submission:

Labcorp Genetics (formerly Invitae), Labcorp
Classification: Likely pathogenic. Last evaluated: 2024-07-29. Review status: criteria provided, single submitter. Criteria: Invitae Variant Classification Sherloc (09022015). Collection method: clinical testing. Allele origin: germline.
Comment: This sequence change affects a donor splice site in intron 1 of the EIF2B4 gene. It is expected to disrupt RNA splicing. Variants that disrupt the donor or acceptor splice site typically lead to a loss of protein function (PMID: 16199547), and loss-of-function variants in EIF2B4 are known to be pathogenic (PMID: 11835386, 15776425, 16807905). This variant is not present in population databases (gnomAD no frequency). This variant has not been reported in the literature in individuals affected with EIF2B4-related conditions. Algorithms developed to predict the effect of sequence changes on RNA splicing suggest that this variant may disrupt the consensus splice site. In summary, the currently available evidence indicates that the variant is pathogenic, but additional data are needed to prove that conclusively. Therefore, this variant has been classified as Likely Pathogenic.

Literature cited by the submitters: PubMed 16199547; PubMed 11835386; PubMed 15776425; PubMed 16807905.